The following is an entry in ClinVar:

NM_024426.6(WT1):c.892A>G (p.Asn298Asp)

Gene: WT1 (WT1 transcription factor; minus strand). Cytogenetic location: 11p13.
Variant type: single nucleotide variant.
Coding change: c.892A>G on transcript NM_024426.6 (MANE Select); coding-DNA position 892, A replaced by G.
Protein change: p.Asn298Asp; replaces asparagine 298 with aspartic acid.
Molecular consequence: missense variant. On other transcripts: non-coding transcript variant (1).
Genome position (GRCh38, 1-based): chr11:32,417,650, T>C on the plus strand (A>G on the coding strand, the complement: WT1 is on the minus strand). VCF-style: chr11-32417650-T-C. GRCh37 (hg19) VCF-style: chr11-32439196-T-C.
Other names: c.892A>G, p.Asn298Asp (NM_000378.6, NM_001407044.1, NM_001407045.1 and 4 more transcripts); c.241A>G, p.Asn81Asp (NM_001198551.2, NM_001198552.2); c.769A>G, p.Asn257Asp (NM_001407047.1, NM_001407050.1); c.130A>G, p.Asn44Asp (NM_001407051.1); c.877A>G, p.Asn293Asp (NM_024425.2); short protein forms N81D, N298D, N257D, N44D.
Identifiers: ClinVar variation 543137 (VCV000543137.13), dbSNP rs1554943492, ClinGen allele CA379962216.

ClinVar aggregate classification (germline): Conflicting classifications of pathogenicity. Review status: criteria provided, conflicting classifications (1 of 4 stars). 4 submissions from 4 submitters: Uncertain significance (3); Benign (1). Last evaluated 2025-07-25.

Conditions:
Drash syndrome (DDS). Also called: NEPHROPATHY, WILMS TUMOR, AND GENITAL ANOMALIES; WILMS TUMOR AND PSEUDO- OR TRUE HERMAPHRODITISM. Identifiers: Orphanet 220, MedGen C0950121, MONDO:0008682, OMIM 194080.
Wilms tumor 1 (WT1). Also called: Wilms tumor, somatic. Identifiers: Orphanet 654, MedGen CN033288, MONDO:0008679, OMIM 194070.
11p partial monosomy syndrome (WAGR). Also called: CHROMOSOME 11p13 DELETION SYNDROME; WAGR Spectrum Disorder; WAGR syndrome; WAGR Complex. Identifiers: Orphanet 893, MedGen C0206115, MONDO:0008681, OMIM 194072.
Frasier syndrome. Identifiers: Orphanet 347, MedGen C0950122, MeSH D052159, MONDO:0007635, OMIM 136680.
Inborn genetic diseases. Identifiers: MedGen C0950123, MeSH D030342.

Allele frequency attached by ClinVar (database versions not stated): gnomAD below 0.00001 and 0.00001; gnomAD exomes below 0.00001.
gnomAD v4.1: 7 of 1,613,646 alleles (0.00043%); highest among the groups gnomAD compares: South Asian, 0.0066%; no homozygotes.

Submissions (4):

Ambry Genetics
Classification: Uncertain significance for Inborn genetic diseases. Last evaluated: 2025-07-25. Review status: criteria provided, single submitter. Criteria: Ambry Variant Classification Scheme 2023. Collection method: clinical testing. Allele origin: germline.
Comment: The p.N293D variant (also known as c.877A>G), located in coding exon 4 of the WT1 gene, results from an A to G substitution at nucleotide position 877. The asparagine at codon 293 is replaced by aspartic acid, an amino acid with highly similar properties. This amino acid position is conserved. In addition, the in silico prediction for this alteration is inconclusive. Based on the available evidence, the clinical significance of this variant remains unclear.

Color Diagnostics, LLC DBA Color Health
Classification: Benign for Wilms tumor 1. Last evaluated: 2025-07-11. Review status: criteria provided, single submitter. Criteria: ACMG Guidelines, 2015. Collection method: clinical testing. Allele origin: germline.

Baylor Genetics
Classification: Uncertain significance for Drash syndrome. Last evaluated: 2023-09-06. Review status: criteria provided, single submitter. Criteria: ACMG Guidelines, 2015. Collection method: clinical testing. Allele origin: unknown.

Labcorp Genetics (formerly Invitae), Labcorp
Classification: Uncertain significance for Wilms tumor 1; Drash syndrome; 11p partial monosomy syndrome; Frasier syndrome. Last evaluated: 2022-11-17. Review status: criteria provided, single submitter. Criteria: Invitae Variant Classification Sherloc (09022015). Collection method: clinical testing. Allele origin: germline.
Comment: In summary, the available evidence is currently insufficient to determine the role of this variant in disease. Therefore, it has been classified as a Variant of Uncertain Significance. Algorithms developed to predict the effect of missense changes on protein structure and function are either unavailable or do not agree on the potential impact of this missense change (SIFT: "Deleterious"; PolyPhen-2: "Benign"; Align-GVGD: "Class C0"). ClinVar contains an entry for this variant (Variation ID: 543137). This variant has not been reported in the literature in individuals affected with WT1-related conditions. This variant is not present in population databases (gnomAD no frequency). This sequence change replaces asparagine, which is neutral and polar, with aspartic acid, which is acidic and polar, at codon 293 of the WT1 protein (p.Asn293Asp).